The following is an entry in ClinVar:

NM_003334.4(UBA1):c.1301A>C (p.Glu434Ala)

Gene: UBA1 (ubiquitin like modifier activating enzyme 1; plus strand). Cytogenetic location: Xp11.3.
Variant type: single nucleotide variant.
Coding change: c.1301A>C on transcript NM_003334.4 (MANE Select); coding-DNA position 1301, A replaced by C.
Protein change: p.Glu434Ala; replaces glutamic acid 434 with alanine.
Molecular consequence: missense variant.
Genome position (GRCh38, 1-based): chrX:47,203,010, A>C. VCF-style: chrX-47203010-A-C. GRCh37 (hg19) VCF-style: chrX-47062409-A-C.
Other names: c.1343A>C, p.Glu448Ala (NM_001440807.1); c.1319A>C, p.Glu440Ala (NM_001440809.1, NM_001440810.1); c.1301A>C, p.Glu434Ala (NM_001440811.1, NM_001440812.1, NM_153280.3); short protein forms E434A, E448A, E440A.
Identifiers: ClinVar variation 4750463 (VCV004750463.1).

ClinVar aggregate classification (germline): Uncertain significance (1 of 4 stars; one submission).

Conditions:
Infantile-onset X-linked spinal muscular atrophy. Also called: Spinal Muscular Atrophy, X-Linked Infantile; AMC, DISTAL, X-LINKED; ARTHROGRYPOSIS, X-LINKED, TYPE I; SPINAL MUSCULAR ATROPHY, X-LINKED LETHAL INFANTILE; Spinal muscular atrophy, X-linked 2. Identifiers: Orphanet 1145, MedGen C1844934, MONDO:0010532, OMIM 301830.

gnomAD v4.1: 1 of 1,211,437 alleles (0.000083%); highest among the groups gnomAD compares: Middle Eastern, 0.023%; no homozygotes.

Submission:

Labcorp Genetics (formerly Invitae), Labcorp
Classification: Uncertain significance for Infantile-onset X-linked spinal muscular atrophy. Last evaluated: 2026-01-26. Review status: criteria provided, single submitter. Criteria: Invitae Variant Classification Sherloc (09022015). Collection method: clinical testing. Allele origin: germline.
Comment: This sequence change replaces glutamic acid, which is acidic and polar, with alanine, which is neutral and non-polar, at codon 434 of the UBA1 protein (p.Glu434Ala). This variant is not present in population databases (gnomAD no frequency). This variant has not been reported in the literature in individuals affected with UBA1-related conditions. An algorithm developed to predict the effect of missense changes on protein structure and function (PolyPhen-2) suggests that this variant is likely to be tolerated. In summary, the available evidence is currently insufficient to determine the role of this variant in disease. Therefore, it has been classified as a Variant of Uncertain Significance.